The following is an entry in ClinVar:

NM_000448.3(RAG1):c.875C>G (p.Ser292Cys)

Gene: RAG1 (recombination activating 1; plus strand). Cytogenetic location: 11p12.
Variant type: single nucleotide variant.
Coding change: c.875C>G on transcript NM_000448.3 (MANE Select); coding-DNA position 875, C replaced by G.
Protein change: p.Ser292Cys; replaces serine 292 with cysteine.
Molecular consequence: missense variant.
Genome position (GRCh38, 1-based): chr11:36,574,179, C>G. VCF-style: chr11-36574179-C-G. GRCh37 (hg19) VCF-style: chr11-36595729-C-G.
Other names: c.875C>G, p.Ser292Cys (NM_001377277.1, NM_001377278.1, NM_001377279.1 and 1 more transcripts); short protein forms S292C.
Identifiers: ClinVar variation 1002026 (VCV001002026.10), dbSNP rs1225342881, ClinGen allele CA380150265.

ClinVar aggregate classification (germline): Uncertain significance (1 of 4 stars; one submission).

Conditions:
Severe combined immunodeficiency, autosomal recessive, T cell-negative, B cell-negative, NK cell-positive. Also called: SCID, T CELL-NEGATIVE, B CELL-NEGATIVE, NK CELL-POSITIVE; Severe combined immunodeficiency due to complete RAG1/2 deficiency; SCID, AR, T-cell negative, B-cell negative, NK cell-positive. Identifiers: Orphanet 331206, MedGen C1832322, MONDO:0011086, OMIM 601457.
Combined immunodeficiency with skin granulomas. Identifiers: Orphanet 157949, MedGen C2673536, MONDO:0009306, OMIM 233650.

gnomAD v4.1: 1 of 1,614,182 alleles (0.000062%); highest among the groups gnomAD compares: Non-Finnish European, 0.000085%; no homozygotes.

Submission:

Labcorp Genetics (formerly Invitae), Labcorp
Classification: Uncertain significance for Combined immunodeficiency with skin granulomas; Severe combined immunodeficiency, autosomal recessive, T cell-negative, B cell-negative, NK cell-positive. Last evaluated: 2022-08-16. Review status: criteria provided, single submitter. Criteria: Invitae Variant Classification Sherloc (09022015). Collection method: clinical testing. Allele origin: germline.
Comment: This sequence change replaces serine, which is neutral and polar, with cysteine, which is neutral and slightly polar, at codon 292 of the RAG1 protein (p.Ser292Cys). This variant is not present in population databases (gnomAD no frequency). This variant has not been reported in the literature in individuals affected with RAG1-related conditions. ClinVar contains an entry for this variant (Variation ID: 1002026). Algorithms developed to predict the effect of missense changes on protein structure and function are either unavailable or do not agree on the potential impact of this missense change (SIFT: "Deleterious"; PolyPhen-2: "Probably Damaging"; Align-GVGD: "Class C0"). In summary, the available evidence is currently insufficient to determine the role of this variant in disease. Therefore, it has been classified as a Variant of Uncertain Significance.